The following is an entry in ClinVar:

NM_000428.3(LTBP2):c.3652+1G>C

Gene: LTBP2 (latent transforming growth factor beta binding protein 2; minus strand). Cytogenetic location: 14q24.3.
Variant type: single nucleotide variant.
Coding change: c.3652+1G>C on transcript NM_000428.3 (MANE Select); the canonical splice donor site of the intron after coding-DNA position 3652, G replaced by C.
Molecular consequence: splice donor variant.
Genome position (GRCh38, 1-based): chr14:74,508,603, C>G on the plus strand (G>C on the coding strand, the complement: LTBP2 is on the minus strand). VCF-style: chr14-74508603-C-G. GRCh37 (hg19) VCF-style: chr14-74975306-C-G.
Identifiers: ClinVar variation 449775 (VCV000449775.5), dbSNP rs773910322, ClinGen allele CA7269090.
Genomic context (GRCh38, chr14:74,508,603, plus strand): 5'-AGGTAGCTGTGCTGGCTTCCCATGCTCCTGGCCAGTAGAGGTAGCTGTGCTGGCTTCTCA[C>G]CCTGGCAGCTGGTGCCCCCCTCTGCGCTGACGAAGCCAGGCGCGCACAGACAGAAGAAAG-3'

ClinVar aggregate classification (germline): Conflicting classifications of pathogenicity. Review status: criteria provided, conflicting classifications (1 of 4 stars). 2 submissions from 2 submitters: Likely pathogenic (1); Uncertain significance (1). Last evaluated 2025-12-01.

Allele frequency attached by ClinVar (database versions not stated): ExAC 0.00001.
gnomAD v4.1: 22 of 1,605,726 alleles (0.0014%); highest among the groups gnomAD compares: Non-Finnish European, 0.0018%; 1 homozygote.

Submissions (2):

Labcorp Genetics (formerly Invitae), Labcorp
Classification: Likely pathogenic. Last evaluated: 2025-12-01. Review status: criteria provided, single submitter. Criteria: Invitae Variant Classification Sherloc (09022015). Collection method: clinical testing. Allele origin: germline.
Comment: This sequence change affects a donor splice site in intron 24 of the LTBP2 gene. It is expected to disrupt RNA splicing. Variants that disrupt the donor or acceptor splice site typically lead to a loss of protein function (PMID: 16199547), and loss-of-function variants in LTBP2 are known to be pathogenic (PMID: 19361779, 19656777, 22025892). This variant is not present in population databases (gnomAD no frequency). This variant has not been reported in the literature in individuals affected with LTBP2-related conditions. ClinVar contains an entry for this variant (Variation ID: 449775). Algorithms developed to predict the effect of sequence changes on RNA splicing suggest that this variant may disrupt the consensus splice site. In summary, the currently available evidence indicates that the variant is pathogenic, but additional data are needed to prove that conclusively. Therefore, this variant has been classified as Likely Pathogenic.

GeneDx
Classification: Uncertain significance. Last evaluated: 2017-08-28. Review status: criteria provided, single submitter. Criteria: GeneDx Variant Classification (06012015). Collection method: clinical testing. Allele origin: germline. Affected: yes.
Comment: The c.3652+1G>C variant in the LTBP2 gene has not been reported previously as a pathogenic variant nor as a benign variant, to our knowledge. This splice site variant destroys the canonical splice donor site in intron 24. It is predicted to cause abnormal gene splicing, either leading to an abnormal message that is subject to nonsense-mediated mRNA decay, or to an abnormal protein product if the message is used for protein translation. The c.3652+1G>C variant is observed in 1/56070 (1.783E-5) alleles from individuals of non-Finnish European background, in the ExAC dataset (Lek et al., 2016). We interpret c.3652+1G>C as a variant of uncertain significance.

Literature cited by the submitters: PubMed 16199547 (cited by Labcorp Genetics (formerly Invitae), Labcorp); PubMed 19361779 (cited by Labcorp Genetics (formerly Invitae), Labcorp); PubMed 19656777 (cited by Labcorp Genetics (formerly Invitae), Labcorp); PubMed 22025892 (cited by Labcorp Genetics (formerly Invitae), Labcorp).